The following is an entry in ClinVar:

ClinVar aggregate classification (germline): Uncertain significance. Review status: criteria provided, multiple submitters, no conflicts (2 of 4 stars). 2 submissions from 2 submitters: Uncertain significance (2). Last evaluated 2025-09-16.

Allele frequency attached by ClinVar (database versions not stated): gnomAD 0.00001; gnomAD exomes 0.00002; TOPMed 0.00002; ExAC 0.00003.
gnomAD v4.1: 32 of 1,602,862 alleles (0.002%); highest among the groups gnomAD compares: Middle Eastern, 0.017%; no homozygotes.

Submissions (2):

Labcorp Genetics (formerly Invitae), Labcorp
Classification: Uncertain significance. Last evaluated: 2025-09-16. Review status: criteria provided, single submitter. Criteria: Invitae Variant Classification Sherloc (09022015). Collection method: clinical testing. Allele origin: germline.
Comment: This sequence change replaces alanine, which is neutral and non-polar, with valine, which is neutral and non-polar, at codon 733 of the TAOK2 protein (p.Ala733Val). This variant is present in population databases (rs746118559, gnomAD 0.01%). This variant has not been reported in the literature in individuals affected with TAOK2-related conditions. ClinVar contains an entry for this variant (Variation ID: 1365874). An algorithm developed to predict the effect of missense changes on protein structure and function (PolyPhen-2) suggests that this variant is likely to be tolerated. In summary, the available evidence is currently insufficient to determine the role of this variant in disease. Therefore, it has been classified as a Variant of Uncertain Significance.

Ambry Genetics
Classification: Uncertain significance. Last evaluated: 2025-06-03. Review status: criteria provided, single submitter. Criteria: Ambry Variant Classification Scheme 2023. Collection method: clinical testing. Allele origin: germline.

NM_016151.4(TAOK2):c.2198C>T (p.Ala733Val)

Gene: TAOK2 (TAO kinase 2; plus strand). Cytogenetic location: 16p11.2.
Variant type: single nucleotide variant.
Coding change: c.2198C>T on transcript NM_016151.4 (MANE Select); coding-DNA position 2198, C replaced by T.
Protein change: p.Ala733Val; replaces alanine 733 with valine.
Molecular consequence: missense variant.
Genome position (GRCh38, 1-based): chr16:29,986,470, C>T. VCF-style: chr16-29986470-C-T. GRCh37 (hg19) VCF-style: chr16-29997791-C-T.
Other names: c.2198C>T, p.Ala733Val (NM_001252043.2, NM_004783.4); c.2198C>T (NM_016151.2); short protein forms A733V.
Identifiers: ClinVar variation 1365874 (VCV001365874.9), dbSNP rs746118559, ClinGen allele CA7998331.